The following is an entry in ClinVar:

ClinVar aggregate classification (germline): Likely pathogenic (1 of 4 stars; one submission).

Conditions:
LAMA2-related disorder. Also called: LAMA2-related disorders; LAMA2-related condition.

gnomAD v4.1: 1 of 1,587,110 alleles (0.000063%); highest among the groups gnomAD compares: Non-Finnish European, 0.000087%; no homozygotes.

Submission:

Greenwood Genetic Center Diagnostic Laboratories, Greenwood Genetic Center
Classification: Likely pathogenic for LAMA2-related disorder. Last evaluated: 2025-02-17. Review status: criteria provided, single submitter. Criteria: ACMG Guidelines, 2015. Collection method: clinical testing. Allele origin: germline. Affected: yes.
Comment: PM2, PP3_Strong

NM_000426.4(LAMA2):c.909+1G>A

Gene: LAMA2 (laminin subunit alpha 2; plus strand). Cytogenetic location: 6q22.33.
Variant type: single nucleotide variant.
Coding change: c.909+1G>A on transcript NM_000426.4 (MANE Select); the canonical splice donor site of the intron after coding-DNA position 909, G replaced by A.
Molecular consequence: splice donor variant.
Genome position (GRCh38, 1-based): chr6:129,147,049, G>A. VCF-style: chr6-129147049-G-A. GRCh37 (hg19) VCF-style: chr6-129468194-G-A.
Other names: c.909+1G>A (NM_001079823.2).
Identifiers: ClinVar variation 4851670 (VCV004851670.1).
Genomic context (GRCh38, chr6:129,147,049, plus strand): 5'-GGAGGGATGTGCATCTGCTATGGTCATGCCAGGGCTTGTCCACTTGATCCAGCGACAAAT[G>A]TATGTATATTTATAGGATGCTTAGGCAAAATGAAGCCCTGAGCTGTAAAATGTTTCATGA-3'